The following is an entry in ClinVar:

NM_000263.4(NAGLU):c.188A>G (p.Asp63Gly)

Genes: NAGLU (N-acetyl-alpha-glucosaminidase; plus strand), LOC130060903 (ATAC-STARR-seq lymphoblastoid silent region 8533; plus strand). Cytogenetic location: 17q21.2.
Variant type: single nucleotide variant.
Coding change: c.188A>G on transcript NM_000263.4 (MANE Select); coding-DNA position 188, A replaced by G.
Protein change: p.Asp63Gly; replaces aspartic acid 63 with glycine.
Molecular consequence: missense variant.
Genome position (GRCh38, 1-based): chr17:42,536,460, A>G. VCF-style: chr17-42536460-A-G. GRCh37 (hg19) VCF-style: chr17-40688478-A-G.
Other names: short protein forms D63G.
Identifiers: ClinVar variation 1424315 (VCV001424315.3), dbSNP rs1264514990, ClinGen allele CA399595570.

ClinVar aggregate classification (germline): Uncertain significance (1 of 4 stars; one submission).

Conditions:
Mucopolysaccharidosis, MPS-III-B (MPS3B). Also called: N-ACETYL-ALPHA-D-GLUCOSAMINIDASE DEFICIENCY; NAGLU DEFICIENCY; SANFILIPPO SYNDROME B; MPS III B; MPS IIIB (Sanfilippo Syndrome Type B); MUCOPOLYSACCHARIDOSIS, TYPE IIIB. Identifiers: Orphanet 79270, MedGen C0086648, MONDO:0009656, OMIM 252920.
Charcot-Marie-Tooth disease axonal type 2V. Also called: CHARCOT-MARIE-TOOTH NEUROPATHY, TYPE 2V; CHARCOT-MARIE-TOOTH DISEASE, AXONAL, AUTOSOMAL DOMINANT, TYPE 2V. Identifiers: Orphanet 447964, MedGen C5569050, MONDO:0014665, OMIM 616491.

Allele frequency attached by ClinVar (database versions not stated): gnomAD 0.00001; TOPMed below 0.00001.

Submission:

Labcorp Genetics (formerly Invitae), Labcorp
Classification: Uncertain significance for Charcot-Marie-Tooth disease axonal type 2V; Mucopolysaccharidosis, MPS-III-B. Last evaluated: 2022-09-13. Review status: criteria provided, single submitter. Criteria: Invitae Variant Classification Sherloc (09022015). Collection method: clinical testing. Allele origin: germline.
Comment: This sequence change replaces aspartic acid, which is acidic and polar, with glycine, which is neutral and non-polar, at codon 63 of the NAGLU protein (p.Asp63Gly). This variant is not present in population databases (gnomAD no frequency). This variant has not been reported in the literature in individuals affected with NAGLU-related conditions. ClinVar contains an entry for this variant (Variation ID: 1424315). Advanced modeling of protein sequence and biophysical properties (such as structural, functional, and spatial information, amino acid conservation, physicochemical variation, residue mobility, and thermodynamic stability) performed at Invitae indicates that this missense variant is expected to disrupt NAGLU protein function. In summary, the available evidence is currently insufficient to determine the role of this variant in disease. Therefore, it has been classified as a Variant of Uncertain Significance.